The following is an entry in ClinVar:

ClinVar aggregate classification (germline): Uncertain significance (1 of 4 stars; one submission).

Conditions:
Hereditary cancer-predisposing syndrome. Also called: Hereditary Cancer Syndrome; Hereditary neoplastic syndrome; Neoplastic Syndromes, Hereditary; Tumor predisposition. Identifiers: Orphanet 140162, MedGen C0027672, MeSH D009386, MONDO:0015356.

Submission:

Ambry Genetics
Classification: Uncertain significance for Hereditary cancer-predisposing syndrome. Last evaluated: 2025-03-25. Review status: criteria provided, single submitter. Criteria: Ambry Variant Classification Scheme 2023. Collection method: clinical testing. Allele origin: germline.
Comment: The p.A2479E variant (also known as c.7436C>A), located in coding exon 15 of the APC gene, results from a C to A substitution at nucleotide position 7436. The alanine at codon 2479 is replaced by glutamic acid, an amino acid with dissimilar properties. This amino acid position is conserved. In addition, in silico predictors for this gene do not accurately predict pathogenicity. Based on the available evidence, the clinical significance of this variant remains unclear.

NM_000038.6(APC):c.7436C>A (p.Ala2479Glu)

Gene: APC (APC regulator of Wnt signaling pathway; plus strand). Cytogenetic location: 5q22.2.
Variant type: single nucleotide variant.
Coding change: c.7436C>A on transcript NM_000038.6 (MANE Select); coding-DNA position 7436, C replaced by A.
Protein change: p.Ala2479Glu; replaces alanine 2479 with glutamic acid.
Molecular consequence: missense variant. On other transcripts: non-coding transcript variant (2).
Genome position (GRCh38, 1-based): chr5:112,843,030, C>A. VCF-style: chr5-112843030-C-A. GRCh37 (hg19) VCF-style: chr5-112178727-C-A.
Other names: c.7436C>A, p.Ala2479Glu (NM_001127510.3, NM_001354895.2, NM_001407450.1); c.7382C>A, p.Ala2461Glu (NM_001127511.3); c.7490C>A, p.Ala2497Glu (NM_001354896.2, NM_001407447.1, NM_001407448.1 and 1 more transcripts); c.7466C>A, p.Ala2489Glu (NM_001354897.2); c.7361C>A, p.Ala2454Glu (NM_001354898.2); c.7352C>A, p.Ala2451Glu (NM_001354899.2); c.7313C>A, p.Ala2438Glu (NM_001354900.2); c.7259C>A, p.Ala2420Glu (NM_001354901.2, NM_001407453.1); and 11 more; short protein forms A2095E, A2196E, A2350E, A2388E, A2396E, A2461E, A2469E, A2472E.
Identifiers: ClinVar variation 3928142 (VCV003928142.1).